The following is an entry in ClinVar:

NM_003200.5(TCF3):c.1387G>A (p.Ala463Thr)

Gene: TCF3 (transcription factor 3; minus strand). Cytogenetic location: 19p13.3.
Variant type: single nucleotide variant.
Coding change: c.1387G>A on transcript NM_003200.5 (MANE Select); coding-DNA position 1387, G replaced by A.
Protein change: p.Ala463Thr; replaces alanine 463 with threonine.
Molecular consequence: missense variant.
Genome position (GRCh38, 1-based): chr19:1,619,174, C>T on the plus strand (G>A on the coding strand, the complement: TCF3 is on the minus strand). VCF-style: chr19-1619174-C-T. GRCh37 (hg19) VCF-style: chr19-1619173-C-T.
Other names: c.1387G>A, p.Ala463Thr (NM_001136139.4, NM_001351779.2); c.1384G>A, p.Ala462Thr (NM_001351778.2); short protein forms A462T, A463T.
Identifiers: ClinVar variation 2416070 (VCV002416070.6), dbSNP rs375753059, ClinGen allele CA9049876.

ClinVar aggregate classification (germline): Uncertain significance (1 of 4 stars; one submission).

gnomAD v4.1: 30 of 1,600,172 alleles (0.0019%); highest among the groups gnomAD compares: Admixed American, 0.0067%; no homozygotes.

Submission:

Labcorp Genetics (formerly Invitae), Labcorp
Classification: Uncertain significance. Last evaluated: 2025-10-14. Review status: criteria provided, single submitter. Criteria: Invitae Variant Classification Sherloc (09022015). Collection method: clinical testing. Allele origin: germline.
Comment: This sequence change replaces alanine, which is neutral and non-polar, with threonine, which is neutral and polar, at codon 463 of the TCF3 protein (p.Ala463Thr). This variant is present in population databases (rs375753059, gnomAD 0.006%). This variant has not been reported in the literature in individuals affected with TCF3-related conditions. ClinVar contains an entry for this variant (Variation ID: 2416070). Invitae Evidence Modeling of protein sequence and biophysical properties (such as structural, functional, and spatial information, amino acid conservation, physicochemical variation, residue mobility, and thermodynamic stability) indicates that this missense variant is not expected to disrupt TCF3 protein function with a negative predictive value of 80%. In summary, the available evidence is currently insufficient to determine the role of this variant in disease. Therefore, it has been classified as a Variant of Uncertain Significance.